The following is an entry in ClinVar:

NM_025099.6(CTC1):c.458G>A (p.Trp153Ter)

Gene: CTC1 (CST telomere replication complex component 1; minus strand). Cytogenetic location: 17p13.1.
Variant type: single nucleotide variant.
Coding change: c.458G>A on transcript NM_025099.6 (MANE Select); coding-DNA position 458, G replaced by A.
Protein change: p.Trp153Ter; replaces tryptophan 153 with a stop codon.
Molecular consequence: nonsense. On other transcripts: non-coding transcript variant (1).
Genome position (GRCh38, 1-based): chr17:8,238,220, C>T on the plus strand (G>A on the coding strand, the complement: CTC1 is on the minus strand). VCF-style: chr17-8238220-C-T. GRCh37 (hg19) VCF-style: chr17-8141538-C-T.
Other names: short protein forms W153*.
Identifiers: ClinVar variation 1072838 (VCV001072838.7), dbSNP rs2151530716, ClinGen allele CA397992897.
Genomic context (GRCh38, chr17:8,238,220, plus strand): 5'-GAATTCCACCTGGCAGGAGGGAGGTAACTCCAACGGGGGAACAGAAAAAGATGGCCCAAC[C>T]AAGAAAGGTCCAGGTCTATGAGCTAAGAAAGACCAAGAGCAAGGGTTAATCAGAACCTTA-3'

ClinVar aggregate classification (germline): Pathogenic (1 of 4 stars; one submission).

Conditions:
Dyskeratosis congenita. Identifiers: Orphanet 1775, MedGen C0265965, MONDO:0015780.

gnomAD v4.1: 6 of 1,609,664 alleles (0.00037%); highest among the groups gnomAD compares: Non-Finnish European, 0.00051%; no homozygotes.

Submission:

Labcorp Genetics (formerly Invitae), Labcorp
Classification: Pathogenic for Dyskeratosis congenita. Last evaluated: 2024-07-28. Review status: criteria provided, single submitter. Criteria: Invitae Variant Classification Sherloc (09022015). Collection method: clinical testing. Allele origin: germline.
Comment: This sequence change creates a premature translational stop signal (p.Trp153*) in the CTC1 gene. It is expected to result in an absent or disrupted protein product. Loss-of-function variants in CTC1 are known to be pathogenic (PMID: 22267198, 22387016). This variant is not present in population databases (gnomAD no frequency). This variant has not been reported in the literature in individuals affected with CTC1-related conditions. ClinVar contains an entry for this variant (Variation ID: 1072838). For these reasons, this variant has been classified as Pathogenic.

Literature cited by the submitters: PubMed 22267198; PubMed 22387016.